The following is an entry in ClinVar:

NM_001070.5(TUBG1):c.907G>A (p.Val303Met)

Gene: TUBG1 (tubulin gamma 1; plus strand). Cytogenetic location: 17q21.2.
Variant type: single nucleotide variant.
Coding change: c.907G>A on transcript NM_001070.5 (MANE Select); coding-DNA position 907, G replaced by A.
Protein change: p.Val303Met; replaces valine 303 with methionine.
Molecular consequence: missense variant.
Genome position (GRCh38, 1-based): chr17:42,614,323, G>A. VCF-style: chr17-42614323-G-A. GRCh37 (hg19) VCF-style: chr17-40766341-G-A.
Other names: short protein forms V303M.
Identifiers: ClinVar variation 1313035 (VCV001313035.2), dbSNP rs1969111674, ClinGen allele CA399627732.

ClinVar aggregate classification (germline): Uncertain significance (1 of 4 stars; one submission).

Allele frequency attached by ClinVar (database versions not stated): gnomAD exomes below 0.00001.

Submission:

GeneDx
Classification: Uncertain significance. Last evaluated: 2020-07-24. Review status: criteria provided, single submitter. Criteria: GeneDx Variant Classification Process June 2021. Collection method: clinical testing. Allele origin: germline. Affected: yes.
Comment: Not observed in large population cohorts (Lek et al., 2016); In silico analysis supports that this missense variant does not alter protein structure/function; Has not been previously published as pathogenic or benign to our knowledge